The following is an entry in ClinVar:

NM_001042492.3(NF1):c.3043del (p.Leu1015fs)

Gene: NF1 (neurofibromin 1; plus strand). Cytogenetic location: 17q11.2.
Variant type: Deletion.
Coding change: c.3043del on transcript NM_001042492.3 (MANE Select); coding-DNA position 3043, one base deleted (C; older notation c.3043delC).
Protein change: p.Leu1015fs; shifts the reading frame from leucine 1015.
Molecular consequence: frameshift variant.
Genome position (GRCh38, 1-based): chr17:31,230,312, C deleted. VCF-style (leftmost placement, unchanged base first): chr17-31230311-AC-A. GRCh37 (hg19) VCF-style: chr17-29557329-AC-A.
Other names: c.3043delC (NM_000267.3); c.3043delC, p.Leu1015Cysfs (NM_000267.4); short protein forms L1015fs.
Identifiers: ClinVar variation 527530 (VCV000527530.6), dbSNP rs1555614514, ClinGen allele CA645578896.

ClinVar aggregate classification (germline): Pathogenic (1 of 4 stars; one submission).

Conditions:
Neurofibromatosis, type 1 (NF1). Also called: VON RECKLINGHAUSEN DISEASE; NEUROFIBROMATOSIS, TYPE I, SOMATIC; Peripheral type neurofibromatosis; Neurofibromatosis, type I. Identifiers: Orphanet 636, MedGen C0027831, MONDO:0018975, OMIM 162200. Disease mechanism: loss of function.

Submission:

Labcorp Genetics (formerly Invitae), Labcorp
Classification: Pathogenic for Neurofibromatosis, type 1. Last evaluated: 2018-12-11. Review status: criteria provided, single submitter. Criteria: Invitae Variant Classification Sherloc (09022015). Collection method: clinical testing. Allele origin: germline.
Comment: This sequence change creates a premature translational stop signal (p.Leu1015Cysfs*4) in the NF1 gene. It is expected to result in an absent or disrupted protein product. This variant is not present in population databases (ExAC no frequency). This variant has not been reported in the literature in the germline of individuals with a NF1-related disease. Loss-of-function variants in NF1 are known to be pathogenic (PMID: 10712197, 23913538). For these reasons, this variant has been classified as Pathogenic.

Literature cited by the submitters: PubMed 10712197; PubMed 23913538.